The following is an entry in ClinVar:

ClinVar aggregate classification (germline): Likely benign (0 of 4 stars; one submission).

Conditions:
PLXNA4-related disorder. Also called: PLXNA4-related condition.

Allele frequency attached by ClinVar (database versions not stated): ExAC 0.00002; gnomAD 0.00002; TOPMed 0.00004; gnomAD exomes 0.00005; 1000 Genomes Project 30x 0.00016.
gnomAD v4.1: 81 of 1,614,210 alleles (0.005%); highest among the groups gnomAD compares: Middle Eastern, 0.016%; no homozygotes.

Submission:

PreventionGenetics, part of Exact Sciences
Classification: Likely benign for PLXNA4-related condition. Last evaluated: 2022-11-21. Review status: no assertion criteria provided. Collection method: clinical testing. Allele origin: germline.
Comment: This variant is classified as likely benign based on ACMG/AMP sequence variant interpretation guidelines (Richards et al. 2015 PMID: 25741868, with internal and published modifications).

NM_020911.2(PLXNA4):c.642C>T (p.Phe214=)

Gene: PLXNA4 (plexin A4; minus strand). Cytogenetic location: 7q32.3.
Variant type: single nucleotide variant.
Coding change: c.642C>T on transcript NM_020911.2 (MANE Select); coding-DNA position 642, C replaced by T.
Protein change: p.Phe214=; no amino-acid change (phenylalanine 214 retained).
Molecular consequence: synonymous variant.
Genome position (GRCh38, 1-based): chr7:132,508,052, G>A on the plus strand (C>T on the coding strand, the complement: PLXNA4 is on the minus strand). VCF-style: chr7-132508052-G-A. GRCh37 (hg19) VCF-style: chr7-132192811-G-A.
Other names: c.642C>T, p.Phe214= (NM_001105543.2, NM_001393897.1, NM_181775.4).
Identifiers: ClinVar variation 3029075 (VCV003029075.2), dbSNP rs535606064, ClinGen allele CA4490465.